The following is an entry in ClinVar:

NM_000195.5(HPS1):c.1754_1757delinsGCAGA (p.Leu585fs)

Gene: HPS1 (HPS1 biogenesis of lysosomal organelles complex 3 subunit 1; minus strand). Cytogenetic location: 10q24.2.
Variant type: Indel.
Coding change: c.1754_1757delinsGCAGA on transcript NM_000195.5 (MANE Select); coding-DNA positions 1754 to 1757, TGAT replaced by GCAGA.
Protein change: p.Leu585fs; shifts the reading frame from leucine 585.
Molecular consequence: frameshift variant.
Genome position (GRCh38, 1-based): chr10:98,420,145-98,420,148, ATCA replaced by TCTGC on the plus strand (TGAT replaced by GCAGA on the coding strand, the reverse complement: HPS1 is on the minus strand). VCF-style: chr10-98420145-ATCA-TCTGC. GRCh37 (hg19) VCF-style: chr10-100179902-ATCA-TCTGC.
Other names: c.782_785delinsGCAGA, p.Leu261fs (NM_001311345.2, NM_001322487.2, NM_001322489.2); c.1754_1757delinsGCAGA, p.Leu585fs (NM_001322476.2, NM_001322477.2); c.1655_1658delinsGCAGA, p.Leu552fs (NM_001322478.2, NM_001322479.2); c.1493_1496delinsGCAGA, p.Leu498fs (NM_001322480.2, NM_001322481.2); c.1394_1397delinsGCAGA, p.Leu465fs (NM_001322482.2); c.1385_1388delinsGCAGA, p.Leu462fs (NM_001322483.2, NM_001322484.2); c.1286_1289delinsGCAGA, p.Leu429fs (NM_001322485.2); short protein forms L261fs, L429fs, L462fs, L465fs, L498fs, L552fs, L585fs.
Identifiers: ClinVar variation 5015065 (VCV005015065.1).

ClinVar aggregate classification (germline): Pathogenic (1 of 4 stars; one submission).

Conditions:
Hermansky-Pudlak syndrome 1 (HPS1). Also called: DELTA STORAGE POOL DISEASE. Identifiers: Orphanet 231500, Orphanet 79430, MedGen C2931875, MONDO:0008748, OMIM 203300.

Submission:

Myriad Genetics, Inc.
Classification: Pathogenic for Hermansky-Pudlak syndrome 1. Last evaluated: 2025-10-08. Review status: criteria provided, single submitter. Criteria: Myriad Autosomal Dominant, Autosomal Recessive and X-Linked Classification Criteria (2023). Collection method: clinical testing. Allele origin: unknown.
Comment: NM_000195.3(HPS1):c.1754_1757del4ins5(L585Rfs*34) is expected to be pathogenic in the context of Hermansky-Pudlak syndrome, HPS1-related. This variant is predicted to lead to an abnormal or absent protein product due to the creation of a premature termination codon in HPS1, a gene where loss-of-function variants are known to be pathogenic. Please note: this variant was assessed in the context of healthy population screening.